The following is an entry in ClinVar:

NM_004341.5(CAD):c.4079C>T (p.Thr1360Ile)

Gene: CAD (carbamoyl-phosphate synthetase 2, aspartate transcarbamylase, and dihydroorotase; plus strand). Cytogenetic location: 2p23.3.
Variant type: single nucleotide variant.
Coding change: c.4079C>T on transcript NM_004341.5 (MANE Select); coding-DNA position 4079, C replaced by T.
Protein change: p.Thr1360Ile; replaces threonine 1360 with isoleucine.
Molecular consequence: missense variant.
Genome position (GRCh38, 1-based): chr2:27,236,288, C>T. VCF-style: chr2-27236288-C-T. GRCh37 (hg19) VCF-style: chr2-27459156-C-T.
Other names: c.3890C>T, p.Thr1297Ile (NM_001306079.2); c.4079C>T (NM_004341.3); short protein forms T1360I, T1297I.
Identifiers: ClinVar variation 1352712 (VCV001352712.4), dbSNP rs1398856337, ClinGen allele CA346218846.

ClinVar aggregate classification (germline): Uncertain significance. Review status: criteria provided, multiple submitters, no conflicts (2 of 4 stars). 2 submissions from 2 submitters: Uncertain significance (2). Last evaluated 2024-05-28.

Conditions:
Inborn genetic diseases. Identifiers: MedGen C0950123, MeSH D030342.

Allele frequency attached by ClinVar (database versions not stated): gnomAD exomes below 0.00001; TOPMed below 0.00001.
gnomAD v4.1: 26 of 1,613,348 alleles (0.0016%); highest among the groups gnomAD compares: Non-Finnish European, 0.0021%; no homozygotes.

Submissions (2):

Ambry Genetics
Classification: Uncertain significance for Inborn genetic diseases. Last evaluated: 2024-05-28. Review status: criteria provided, single submitter. Criteria: Ambry Variant Classification Scheme 2023. Collection method: clinical testing. Allele origin: germline.

Labcorp Genetics (formerly Invitae), Labcorp
Classification: Uncertain significance. Last evaluated: 2021-08-28. Review status: criteria provided, single submitter. Criteria: Invitae Variant Classification Sherloc (09022015). Collection method: clinical testing. Allele origin: germline.
Comment: This sequence change replaces threonine with isoleucine at codon 1360 of the CAD protein (p.Thr1360Ile). The threonine residue is moderately conserved and there is a moderate physicochemical difference between threonine and isoleucine. This variant is not present in population databases (ExAC no frequency). This variant has not been reported in the literature in individuals affected with CAD-related conditions. Algorithms developed to predict the effect of missense changes on protein structure and function (SIFT, PolyPhen-2, Align-GVGD) all suggest that this variant is likely to be tolerated. In summary, the available evidence is currently insufficient to determine the role of this variant in disease. Therefore, it has been classified as a Variant of Uncertain Significance.